The following is an entry in ClinVar:

NM_001365276.2(TNXB):c.1456G>A (p.Gly486Arg)

Gene: TNXB (tenascin XB; minus strand). Cytogenetic location: 6p21.33.
Variant type: single nucleotide variant.
Coding change: c.1456G>A on transcript NM_001365276.2 (MANE Select); coding-DNA position 1456, G replaced by A.
Protein change: p.Gly486Arg; replaces glycine 486 with arginine.
Molecular consequence: missense variant.
Genome position (GRCh38, 1-based): chr6:32,096,397, C>T on the plus strand (G>A on the coding strand, the complement: TNXB is on the minus strand). VCF-style: chr6-32096397-C-T. GRCh37 (hg19) VCF-style: chr6-32064174-C-T.
Other names: c.1456G>A, p.Gly486Arg (NM_001428335.1, NM_019105.8); short protein forms G486R.
Identifiers: ClinVar variation 3227238 (VCV003227238.1), dbSNP rs1280968762, ClinGen allele CA363481111.

ClinVar aggregate classification (germline): Uncertain significance (1 of 4 stars; one submission).

Conditions:
Cardiovascular phenotype. Identifiers: MedGen CN230736.

Allele frequency attached by ClinVar (database versions not stated): TOPMed below 0.00001.
gnomAD v4.1: 1 of 1,577,758 alleles (0.000063%); highest among the groups gnomAD compares: African/African-American, 0.0013%; no homozygotes.

Submission:

Ambry Genetics
Classification: Uncertain significance for Cardiovascular phenotype. Last evaluated: 2023-01-29. Review status: criteria provided, single submitter. Criteria: Ambry Variant Classification Scheme 2023. Collection method: clinical testing. Allele origin: germline.
Comment: The p.G486R variant (also known as c.1456G>A), located in coding exon 2 of the TNXB gene, results from a G to A substitution at nucleotide position 1456. The glycine at codon 486 is replaced by arginine, an amino acid with dissimilar properties. This amino acid position is conserved. In addition, the in silico prediction for this alteration is inconclusive. Since supporting evidence is limited at this time, the clinical significance of this alteration remains unclear.